The following is an entry in ClinVar:

ClinVar aggregate classification (germline): Uncertain significance. Review status: criteria provided, multiple submitters, no conflicts (2 of 4 stars). 2 submissions from 2 submitters: Uncertain significance (2). Last evaluated 2025-07-07.

Conditions:
Malignant hyperthermia, susceptibility to, 5 (MHS5). Also called: CACNA1S-Related Malignant Hyperthermia Susceptibility. Identifiers: Orphanet 423, MedGen C1866077, MONDO:0011163, OMIM 601887.

Allele frequency attached by ClinVar (database versions not stated): gnomAD 0.00001.
gnomAD v4.1: 20 of 1,613,722 alleles (0.0012%); highest among the groups gnomAD compares: East Asian, 0.013%; no homozygotes.

Submissions (2):

Color Diagnostics, LLC DBA Color Health
Classification: Uncertain significance for Malignant hyperthermia, susceptibility to, 5. Last evaluated: 2025-07-07. Review status: criteria provided, single submitter. Criteria: ACMG Guidelines, 2015. Collection method: clinical testing. Allele origin: germline.
Comment: This missense variant replaces arginine with tryptophan at codon 469 of the CACNA1S protein. Computational prediction is inconclusive regarding the impact of this variant on protein structure and function. To our knowledge, functional studies have not been reported for this variant. This variant has not been reported in individuals affected with CACNA1S-related disorders in the literature. This variant has been identified in 5/251422 chromosomes in the general population by the Genome Aggregation Database (gnomAD). The available evidence is insufficient to determine the role of this variant in disease conclusively. Therefore, this variant is classified as a Variant of Uncertain Significance.

All of Us Research Program, National Institutes of Health
Classification: Uncertain significance for Malignant hyperthermia, susceptibility to, 5. Last evaluated: 2023-10-27. Review status: criteria provided, single submitter. Criteria: ACMG Guidelines, 2015. Collection method: clinical testing. Allele origin: germline. Inheritance: Autosomal dominant inheritance. Observed: 2 variant alleles, 2 heterozygotes.
Comment: This missense variant replaces arginine with tryptophan at codon 469 of the CACNA1S protein. Computational prediction is inconclusive regarding the impact of this variant on protein structure and function (internally defined REVEL score threshold 0.5 < inconclusive < 0.7, PMID: 27666373). To our knowledge, functional studies have not been reported for this variant. This variant has not been reported in individuals affected with CACNA1S-related disorders in the literature. This variant has been identified in 5/251422 chromosomes in the general population by the Genome Aggregation Database (gnomAD). The available evidence is insufficient to determine the role of this variant in disease conclusively. Therefore, this variant is classified as a Variant of Uncertain Significance.

This study involves interpretation of variants in research participants for the purpose of population health screening. Participant phenotype was not available at the time of variant classification. Additional details can be found in publication PMID: 35346344, PMCID: PMC8962531

NM_000069.3(CACNA1S):c.1405C>T (p.Arg469Trp)

Gene: CACNA1S (calcium voltage-gated channel subunit alpha1 S; minus strand). Cytogenetic location: 1q32.1.
Variant type: single nucleotide variant.
Coding change: c.1405C>T on transcript NM_000069.3 (MANE Select); coding-DNA position 1405, C replaced by T.
Protein change: p.Arg469Trp; replaces arginine 469 with tryptophan.
Molecular consequence: missense variant.
Genome position (GRCh38, 1-based): chr1:201,078,093, G>A on the plus strand (C>T on the coding strand, the complement: CACNA1S is on the minus strand). VCF-style: chr1-201078093-G-A. GRCh37 (hg19) VCF-style: chr1-201047221-G-A.
Other names: short protein forms R469W.
Identifiers: ClinVar variation 3070765 (VCV003070765.2), dbSNP rs751576994, ClinGen allele CA078225.